The following is an entry in ClinVar:

NM_004360.5(CDH1):c.1248G>C (p.Leu416Phe)

Gene: CDH1 (cadherin 1; plus strand). Cytogenetic location: 16q22.1.
Variant type: single nucleotide variant.
Coding change: c.1248G>C on transcript NM_004360.5 (MANE Select); coding-DNA position 1248, G replaced by C.
Protein change: p.Leu416Phe; replaces leucine 416 with phenylalanine.
Molecular consequence: missense variant. On other transcripts: 5 prime UTR variant (2), intron variant (1).
Genome position (GRCh38, 1-based): chr16:68,813,423, G>C. VCF-style: chr16-68813423-G-C. GRCh37 (hg19) VCF-style: chr16-68847326-G-C.
Other names: c.1248G>C (LRG_301t1); c.-368G>C (NM_001317185.2); c.-572G>C (NM_001317186.2); c.1137+1160G>C (NM_001317184.2); short protein forms L416F.
Identifiers: ClinVar variation 640697 (VCV000640697.12), dbSNP rs772622537, ClinGen allele CA8130025.

ClinVar aggregate classification (germline): Conflicting classifications of pathogenicity. Review status: criteria provided, conflicting classifications (1 of 4 stars). 2 submissions from 2 submitters: Uncertain significance (1); Likely benign (1). Last evaluated 2024-11-27.

Conditions:
Hereditary cancer-predisposing syndrome. Also called: Neoplastic Syndromes, Hereditary; Hereditary Cancer Syndrome; Hereditary neoplastic syndrome; Tumor predisposition. Identifiers: Orphanet 140162, MedGen C0027672, MeSH D009386, MONDO:0015356.
Hereditary diffuse gastric adenocarcinoma (HDGC). Also called: DIFFUSE GASTRIC AND LOBULAR BREAST CANCER SYNDROME. Identifiers: Orphanet 26106, MedGen C1708349, MONDO:0007648, OMIM 137215.

Allele frequency attached by ClinVar (database versions not stated): ExAC 0.00002; gnomAD exomes 0.00002.
gnomAD v4.1: 9 of 1,613,876 alleles (0.00056%); highest among the groups gnomAD compares: South Asian, 0.0099%; no homozygotes.

Submissions (2):

Ambry Genetics
Classification: Likely benign for Hereditary cancer-predisposing syndrome. Last evaluated: 2024-11-27. Review status: criteria provided, single submitter. Criteria: Ambry Variant Classification Scheme 2023. Collection method: clinical testing. Allele origin: germline.

Labcorp Genetics (formerly Invitae), Labcorp
Classification: Uncertain significance for Hereditary diffuse gastric adenocarcinoma. Last evaluated: 2023-04-12. Review status: criteria provided, single submitter. Criteria: Invitae Variant Classification Sherloc (09022015). Collection method: clinical testing. Allele origin: germline.
Comment: An algorithm developed to predict the effect of missense changes on protein structure and function (PolyPhen-2) suggests that this variant is likely to be disruptive. ClinVar contains an entry for this variant (Variation ID: 640697). This variant has not been reported in the literature in individuals affected with CDH1-related conditions. This variant is present in population databases (rs772622537, gnomAD 0.01%). This sequence change replaces leucine, which is neutral and non-polar, with phenylalanine, which is neutral and non-polar, at codon 416 of the CDH1 protein (p.Leu416Phe). In summary, the available evidence is currently insufficient to determine the role of this variant in disease. Therefore, it has been classified as a Variant of Uncertain Significance.